The following is an entry in ClinVar:

NM_014018.3(MRPS28):c.419T>C (p.Val140Ala)

Genes: MRPS28 (mitochondrial ribosomal protein S28; minus strand), TPD52-MRPS28 (TPD52-MRPS28 readthrough; minus strand). Cytogenetic location: 8q21.13.
Variant type: single nucleotide variant.
Coding change: c.419T>C on transcript NM_014018.3 (MANE Select); coding-DNA position 419, T replaced by C.
Protein change: p.Val140Ala; replaces valine 140 with alanine.
Molecular consequence: missense variant.
Genome position (GRCh38, 1-based): chr8:79,919,125, A>G on the plus strand (T>C on the coding strand, the complement: MRPS28 is on the minus strand). VCF-style: chr8-79919125-A-G. GRCh37 (hg19) VCF-style: chr8-80831360-A-G.
Other names: c.641T>C, p.Val214Ala (NM_001387778.1); short protein forms V140A, V214A.
Identifiers: ClinVar variation 4084921 (VCV004084921.8).

ClinVar aggregate classification (germline): Uncertain significance (1 of 4 stars; one submission).

gnomAD v4.1: 4 of 1,589,908 alleles (0.00025%); highest among the groups gnomAD compares: South Asian, 0.0047%; no homozygotes.

Submission:

CeGaT Center for Human Genetics Tuebingen
Classification: Uncertain significance. Last evaluated: 2025-07-01. Review status: criteria provided, single submitter. Criteria: CeGaT Center For Human Genetics Tuebingen Variant Classification Criteria Version 2. Collection method: clinical testing. Allele origin: germline. Affected: yes. Observed: 1 variant allele.
Comment: MRPS28: PM2